The following is an entry in ClinVar:

ClinVar aggregate classification (germline): Uncertain significance (1 of 4 stars; one submission).

Conditions:
Developmental and epileptic encephalopathy, 30 (DEE30). Also called: Epileptic encephalopathy, early infantile, 30. Identifiers: MedGen C4225360, MONDO:0014595, OMIM 616341.

Submission:

Labcorp Genetics (formerly Invitae), Labcorp
Classification: Uncertain significance for Developmental and epileptic encephalopathy, 30. Last evaluated: 2025-06-29. Review status: criteria provided, single submitter. Criteria: Invitae Variant Classification Sherloc (09022015). Collection method: clinical testing. Allele origin: germline.
Comment: This sequence change replaces leucine, which is neutral and non-polar, with proline, which is neutral and non-polar, at codon 583 of the SIK1 protein (p.Leu583Pro). This variant is not present in population databases (gnomAD no frequency). This variant has not been reported in the literature in individuals affected with SIK1-related conditions. Invitae Evidence Modeling of protein sequence and biophysical properties (such as structural, functional, and spatial information, amino acid conservation, physicochemical variation, residue mobility, and thermodynamic stability) indicates that this missense variant is not expected to disrupt SIK1 protein function with a negative predictive value of 95%. In summary, the available evidence is currently insufficient to determine the role of this variant in disease. Therefore, it has been classified as a Variant of Uncertain Significance.

NM_173354.5(SIK1):c.1748T>C (p.Leu583Pro)

Gene: SIK1 (salt inducible kinase 1; minus strand). Cytogenetic location: 21q22.3.
Variant type: single nucleotide variant.
Coding change: c.1748T>C on transcript NM_173354.5 (MANE Select); coding-DNA position 1748, T replaced by C.
Protein change: p.Leu583Pro; replaces leucine 583 with proline.
Molecular consequence: missense variant.
Genome position (GRCh38, 1-based): chr21:43,417,771, A>G on the plus strand (T>C on the coding strand, the complement: SIK1 is on the minus strand). VCF-style: chr21-43417771-A-G. GRCh37 (hg19) VCF-style: chr21-44837651-A-G.
Other names: short protein forms L583P.
Identifiers: ClinVar variation 4803222 (VCV004803222.1).